The following is an entry in ClinVar:

ClinVar aggregate classification (germline): Conflicting classifications of pathogenicity. Review status: criteria provided, conflicting classifications (1 of 4 stars). 6 submissions from 5 submitters: Uncertain significance (5); Benign (1). Last evaluated 2025-11-10.

Conditions:
Hereditary cancer-predisposing syndrome. Also called: Hereditary Cancer Syndrome; Neoplastic Syndromes, Hereditary; Tumor predisposition; Hereditary neoplastic syndrome. Identifiers: Orphanet 140162, MedGen C0027672, MeSH D009386, MONDO:0015356.
Cardiovascular phenotype. Identifiers: MedGen CN230736.
Juvenile myelomonocytic leukemia (JMML). Also called: LEUKEMIA, JUVENILE MYELOMONOCYTIC, SOMATIC. Identifiers: Orphanet 86834, MedGen C0349639, MONDO:0011908, OMIM 607785, HP:0012209.
Café-au-lait macules with pulmonary stenosis (WTSN). Also called: PULMONIC STENOSIS WITH CAFE-AU-LAIT SPOTS. Identifiers: MedGen C0553586, MONDO:0008672, OMIM 193520.
Neurofibromatosis, type 1 (NF1). Also called: NEUROFIBROMATOSIS, TYPE I, SOMATIC; VON RECKLINGHAUSEN DISEASE; Peripheral type neurofibromatosis; Neurofibromatosis, type I. Identifiers: Orphanet 636, MedGen C0027831, MONDO:0018975, OMIM 162200. Disease mechanism: loss of function.
Neurofibromatosis-Noonan syndrome (NFNS). Also called: NEUROFIBROMATOSIS WITH NOONAN PHENOTYPE. Identifiers: Orphanet 638, MedGen C2931482, MONDO:0011035, OMIM 601321. Disease mechanism: loss of function.
Neurofibromatosis, familial spinal (FSNF). Identifiers: Orphanet 636, MedGen C1834235, MONDO:0008078, OMIM 162210. Disease mechanism: loss of function.

Allele frequency attached by ClinVar (database versions not stated): ESP Exome Variant Server 0.00008; gnomAD exomes below 0.00001; TOPMed below 0.00001; ExAC 0.00001; gnomAD 0.00001.
gnomAD v4.1: 12 of 1,614,020 alleles (0.00074%); highest among the groups gnomAD compares: Admixed American, 0.0033%; no homozygotes.

Submissions (6):

Labcorp Genetics (formerly Invitae), Labcorp
Classification: Benign for Neurofibromatosis, type 1. Last evaluated: 2025-11-10. Review status: criteria provided, single submitter. Criteria: Invitae Variant Classification Sherloc (09022015). Collection method: clinical testing. Allele origin: germline.

Ambry Genetics
Classification: Uncertain significance for Cardiovascular phenotype; Hereditary cancer-predisposing syndrome. Last evaluated: 2025-09-25. Review status: criteria provided, single submitter. Criteria: Ambry Variant Classification Scheme 2023. Collection method: clinical testing. Allele origin: germline.

Quest Diagnostics Nichols Institute San Juan Capistrano
Classification: Uncertain significance. Last evaluated: 2024-12-23. Review status: criteria provided, single submitter. Criteria: Quest Diagnostics criteria. Collection method: clinical testing. Allele origin: unknown.

Fulgent Genetics
Classification: Uncertain significance for Neurofibromatosis, type 1; Neurofibromatosis, familial spinal; Café-au-lait macules with pulmonary stenosis; Neurofibromatosis-Noonan syndrome; Juvenile myelomonocytic leukemia. Last evaluated: 2024-04-05. Review status: criteria provided, single submitter. Criteria: ACMG Guidelines, 2015. Collection method: clinical testing. Allele origin: germline.

Genome-Nilou Lab
Classification: Uncertain significance for Neurofibromatosis, type 1. Last evaluated: 2022-03-15. Review status: criteria provided, single submitter. Criteria: ACMG Guidelines, 2015. Collection method: clinical testing. Allele origin: germline. Affected: no.

Ambry Genetics
Classification: Uncertain significance for Hereditary cancer-predisposing syndrome. Last evaluated: 2014-10-27. Review status: criteria provided, single submitter. Criteria: Ambry Autosomal Dominant and X-Linked criteria (10/2015). Collection method: clinical testing. Allele origin: germline. Observed: 1 variant allele.
Comment: The p.N1154S variant (also known as c.3461A>G), located in coding exon 26 of the NF1 gene, results from an A to G substitution at nucleotide position 3461. The asparagine at codon 1154 is replaced by serine, an amino acid with highly similar properties. This variant was previously reported in the SNPDatabase as rs371544233. Based on data from the NHLBI Exome Sequencing Project (ESP), the G-allele has an overall frequency of approximately 0.01% (1/13006) total alleles studied, having been observed in 0.02% (1/4406) African American alleles<span style="background-color: initial;">and 0% (0/8600) European American alleles<span style="background-color: initial;">.<span style="background-color: initial;">This variant was not reported in the 1000 Genomes Project population-based cohort.<span style="background-color: initial;">To date, this alteration has been detected with an allele frequency of approximately 0.01% (greater than 11000 alleles tested) in our clinical cohort.<span style="background-color: initial;">This amino acid position is highly conserved in available vertebrate species. In addition, this alteration is predicted to be tolerated by in silico analysis.<span style="background-color: initial;">Since supporting evidence is limited at this time, the clinical significance of<span style="background-color: initial;">p.N1154S<span style="background-color: initial;">remains unclear.

NM_001042492.3(NF1):c.3461A>G (p.Asn1154Ser)

Gene: NF1 (neurofibromin 1; plus strand). Cytogenetic location: 17q11.2.
Variant type: single nucleotide variant.
Coding change: c.3461A>G on transcript NM_001042492.3 (MANE Select); coding-DNA position 3461, A replaced by G.
Protein change: p.Asn1154Ser; replaces asparagine 1154 with serine.
Molecular consequence: missense variant.
Genome position (GRCh38, 1-based): chr17:31,232,846, A>G. VCF-style: chr17-31232846-A-G. GRCh37 (hg19) VCF-style: chr17-29559864-A-G.
Other names: c.3461A>G, p.Asn1154Ser (NM_000267.4); short protein forms N1154S.
Identifiers: ClinVar variation 186659 (VCV000186659.17), dbSNP rs371544233, ClinGen allele CA195477.